The following is an entry in ClinVar:

ClinVar aggregate classification (germline): Uncertain significance (1 of 4 stars; one submission).

Allele frequency attached by ClinVar (database versions not stated): TOPMed below 0.00001.

Submission:

Labcorp Genetics (formerly Invitae), Labcorp
Classification: Uncertain significance. Last evaluated: 2024-12-10. Review status: criteria provided, single submitter. Criteria: Invitae Variant Classification Sherloc (09022015). Collection method: clinical testing. Allele origin: germline.
Comment: This sequence change replaces arginine, which is basic and polar, with tryptophan, which is neutral and slightly polar, at codon 218 of the PCGF2 protein (p.Arg218Trp). The frequency data for this variant in the population databases is considered unreliable, as metrics indicate poor data quality at this position in the gnomAD database. This variant has not been reported in the literature in individuals affected with PCGF2-related conditions. ClinVar contains an entry for this variant (Variation ID: 1949795). Invitae Evidence Modeling of protein sequence and biophysical properties (such as structural, functional, and spatial information, amino acid conservation, physicochemical variation, residue mobility, and thermodynamic stability) indicates that this missense variant is expected to disrupt PCGF2 protein function with a positive predictive value of 80%. In summary, the available evidence is currently insufficient to determine the role of this variant in disease. Therefore, it has been classified as a Variant of Uncertain Significance.

NM_007144.3(PCGF2):c.652C>T (p.Arg218Trp)

Gene: PCGF2 (polycomb group ring finger 2; minus strand). Cytogenetic location: 17q12.
Variant type: single nucleotide variant.
Coding change: c.652C>T on transcript NM_007144.3 (MANE Select); coding-DNA position 652, C replaced by T.
Protein change: p.Arg218Trp; replaces arginine 218 with tryptophan.
Molecular consequence: missense variant.
Genome position (GRCh38, 1-based): chr17:38,736,095, G>A on the plus strand (C>T on the coding strand, the complement: PCGF2 is on the minus strand). VCF-style: chr17-38736095-G-A. GRCh37 (hg19) VCF-style: chr17-36892348-G-A.
Other names: c.652C>T, p.Arg218Trp (NM_001369614.1, NM_001369615.1); short protein forms R218W.
Identifiers: ClinVar variation 1949795 (VCV001949795.5), dbSNP rs753047733, ClinGen allele CA8524910.